The following is an entry in ClinVar:

ClinVar aggregate classification (germline): Uncertain significance (1 of 4 stars; one submission).

gnomAD v4.1: 3 of 1,614,180 alleles (0.00019%); highest among the groups gnomAD compares: South Asian, 0.0022%; no homozygotes.

Submission:

Labcorp Genetics (formerly Invitae), Labcorp
Classification: Uncertain significance. Last evaluated: 2025-09-25. Review status: criteria provided, single submitter. Criteria: Invitae Variant Classification Sherloc (09022015). Collection method: clinical testing. Allele origin: germline.
Comment: This sequence change replaces tyrosine, which is neutral and polar, with cysteine, which is neutral and slightly polar, at codon 1872 of the CACNA1D protein (p.Tyr1872Cys). This variant is present in population databases (rs775930966, gnomAD 0.003%). This variant has not been reported in the literature in individuals affected with CACNA1D-related conditions. ClinVar contains an entry for this variant (Variation ID: 3715300). An algorithm developed to predict the effect of missense changes on protein structure and function outputs the following: PolyPhen-2: "Benign". The cysteine amino acid residue is found in multiple mammalian species, which suggests that this missense change does not adversely affect protein function. In summary, the available evidence is currently insufficient to determine the role of this variant in disease. Therefore, it has been classified as a Variant of Uncertain Significance.

NM_001128840.3(CACNA1D):c.5555A>G (p.Tyr1852Cys)

Gene: CACNA1D (calcium voltage-gated channel subunit alpha1 D; plus strand). Cytogenetic location: 3p21.1.
Variant type: single nucleotide variant.
Coding change: c.5555A>G on transcript NM_001128840.3 (MANE Select); coding-DNA position 5555, A replaced by G.
Protein change: p.Tyr1852Cys; replaces tyrosine 1852 with cysteine.
Molecular consequence: missense variant.
Genome position (GRCh38, 1-based): chr3:53,803,542, A>G. VCF-style: chr3-53803542-A-G. GRCh37 (hg19) VCF-style: chr3-53837569-A-G.
Other names: c.5615A>G, p.Tyr1872Cys (NM_000720.4); c.5483A>G, p.Tyr1828Cys (NM_001128839.3); short protein forms Y1852C, Y1872C, Y1828C.
Identifiers: ClinVar variation 3715300 (VCV003715300.2).